The following is an entry in ClinVar:

NM_000175.5(GPI):c.259G>T (p.Gly87Cys)

Gene: GPI (glucose-6-phosphate isomerase; plus strand). Cytogenetic location: 19q13.11.
Variant type: single nucleotide variant.
Coding change: c.259G>T on transcript NM_000175.5 (MANE Select); coding-DNA position 259, G replaced by T.
Protein change: p.Gly87Cys; replaces glycine 87 with cysteine.
Molecular consequence: missense variant.
Genome position (GRCh38, 1-based): chr19:34,366,828, G>T. VCF-style: chr19-34366828-G-T. GRCh37 (hg19) VCF-style: chr19-34857733-G-T.
Other names: c.376G>T, p.Gly126Cys (NM_001184722.1, NM_001289789.1, NM_001440422.1); c.259G>T, p.Gly87Cys (NM_001289790.3, NM_001329909.1, NM_001329910.1 and 1 more transcripts); short protein forms G126C, G87C.
Identifiers: ClinVar variation 4702959 (VCV004702959.1).

ClinVar aggregate classification (germline): Pathogenic (1 of 4 stars; one submission).

gnomAD v4.1: 84 of 1,613,550 alleles (0.0052%); highest among the groups gnomAD compares: Non-Finnish European, 0.007%; no homozygotes.

Submission:

Labcorp Genetics (formerly Invitae), Labcorp
Classification: Pathogenic. Last evaluated: 2025-11-28. Review status: criteria provided, single submitter. Criteria: Invitae Variant Classification Sherloc (09022015). Collection method: clinical testing. Allele origin: germline.
Comment: This sequence change replaces glycine, which is neutral and non-polar, with cysteine, which is neutral and slightly polar, at codon 87 of the GPI protein (p.Gly87Cys). This variant is present in population databases (rs746921353, gnomAD 0.003%). This missense change has been observed in individual(s) with hemolytic anemia due to glucose-6-phosphate isomerase deficiency (PMID: 37430284). In at least one individual the data is consistent with being in trans (on the opposite chromosome) from a pathogenic variant. This variant is also known as c.295G>T. Invitae Evidence Modeling of protein sequence and biophysical properties (such as structural, functional, and spatial information, amino acid conservation, physicochemical variation, residue mobility, and thermodynamic stability) indicates that this missense variant is expected to disrupt GPI protein function with a positive predictive value of 95%. For these reasons, this variant has been classified as Pathogenic.

Literature cited by the submitters: PubMed 37430284.